The following is an entry in ClinVar:

NM_018043.7(ANO1):c.1636G>A (p.Ala546Thr)

Gene: ANO1 (anoctamin 1; plus strand). Cytogenetic location: 11q13.3.
Variant type: single nucleotide variant.
Coding change: c.1636G>A on transcript NM_018043.7 (MANE Select); coding-DNA position 1636, G replaced by A.
Protein change: p.Ala546Thr; replaces alanine 546 with threonine.
Molecular consequence: missense variant. On other transcripts: non-coding transcript variant (1).
Genome position (GRCh38, 1-based): chr11:70,161,218, G>A. VCF-style: chr11-70161218-G-A. GRCh37 (hg19) VCF-style: chr11-70007324-G-A.
Other names: c.1624G>A, p.Ala542Thr (NM_001378094.2, NM_001378095.2, NM_001378093.1); c.1546G>A, p.Ala516Thr (NM_001378096.2); c.1459G>A, p.Ala487Thr (NM_001378097.2); c.1825G>A, p.Ala609Thr (NM_001378092.1); short protein forms A487T, A516T, A542T, A546T, A609T.
Identifiers: ClinVar variation 3387978 (VCV003387978.14).
Genomic context (GRCh38, chr11:70,161,218, plus strand): 5'-CAGATTGCAGTGACGTTTGCCATCGTCCTCGGCGTCATCATCTACAGAATCTCCATGGCC[G>A]CCGCCTTGGCCATGAACTCCTCCCCCTCCGTGCGGTCCAACATCCGGGTCACAGTCACAG-3'
Protein context (NP_060513.5, residues 536-556): GVIIYRISMA[Ala546Thr]ALAMNSSPSV

ClinVar aggregate classification (germline): Likely benign (1 of 4 stars; one submission).

gnomAD v4.1: 625 of 1,613,896 alleles (0.039%); highest among the groups gnomAD compares: South Asian, 0.39%; 8 homozygotes.

Submission:

CeGaT Center for Human Genetics Tuebingen
Classification: Likely benign. Last evaluated: 2024-09-01. Review status: criteria provided, single submitter. Criteria: CeGaT Center For Human Genetics Tuebingen Variant Classification Criteria Version 2. Collection method: clinical testing. Allele origin: germline. Affected: yes. Observed: 1 variant allele.
Comment: ANO1: BS2